The following is an entry in ClinVar:

ClinVar aggregate classification (germline): Conflicting classifications of pathogenicity. Review status: criteria provided, conflicting classifications (1 of 4 stars). 2 submissions from 2 submitters: Uncertain significance (1); Likely benign (1). Last evaluated 2025-10-09.

Conditions:
Hereditary cancer-predisposing syndrome. Also called: Hereditary neoplastic syndrome; Neoplastic Syndromes, Hereditary; Tumor predisposition; Hereditary Cancer Syndrome. Identifiers: Orphanet 140162, MedGen C0027672, MeSH D009386, MONDO:0015356.
Fanconi anemia complementation group O. Also called: RAD51C-Related Fanconi Anemia. Identifiers: Orphanet 84, MedGen C3150653, MONDO:0013248, OMIM 613390.

Allele frequency attached by ClinVar (database versions not stated): gnomAD exomes below 0.00001; gnomAD 0.00001.
gnomAD v4.1: 2 of 1,608,390 alleles (0.00012%); highest among the groups gnomAD compares: Non-Finnish European, 0.00017%; no homozygotes.

Submissions (2):

Ambry Genetics
Classification: Likely benign for Hereditary cancer-predisposing syndrome. Last evaluated: 2025-10-09. Review status: criteria provided, single submitter. Criteria: Ambry Variant Classification Scheme 2023. Collection method: clinical testing. Allele origin: germline.

Labcorp Genetics (formerly Invitae), Labcorp
Classification: Uncertain significance for Fanconi anemia complementation group O. Last evaluated: 2023-04-06. Review status: criteria provided, single submitter. Criteria: Invitae Variant Classification Sherloc (09022015). Collection method: clinical testing. Allele origin: germline.
Comment: This sequence change replaces valine, which is neutral and non-polar, with alanine, which is neutral and non-polar, at codon 241 of the RAD51C protein (p.Val241Ala). This variant is not present in population databases (gnomAD no frequency). In summary, the available evidence is currently insufficient to determine the role of this variant in disease. Therefore, it has been classified as a Variant of Uncertain Significance. Advanced modeling of protein sequence and biophysical properties (such as structural, functional, and spatial information, amino acid conservation, physicochemical variation, residue mobility, and thermodynamic stability) performed at Invitae indicates that this missense variant is not expected to disrupt RAD51C protein function. ClinVar contains an entry for this variant (Variation ID: 484728). This variant has not been reported in the literature in individuals affected with RAD51C-related conditions.

Literature cited by the submitters: PubMed 38003901 (cited by Ambry Genetics).

NM_058216.3(RAD51C):c.722T>C (p.Val241Ala)

Gene: RAD51C (RAD51 paralog C; plus strand). Cytogenetic location: 17q22.
Variant type: single nucleotide variant.
Coding change: c.722T>C on transcript NM_058216.3 (MANE Select); coding-DNA position 722, T replaced by C.
Protein change: p.Val241Ala; replaces valine 241 with alanine.
Molecular consequence: missense variant. On other transcripts: non-coding transcript variant (1).
Genome position (GRCh38, 1-based): chr17:58,709,875, T>C. VCF-style: chr17-58709875-T-C. GRCh37 (hg19) VCF-style: chr17-56787236-T-C.
Other names: short protein forms V241A.
Identifiers: ClinVar variation 484728 (VCV000484728.16), dbSNP rs1555599127, ClinGen allele CA400353255.